The following is an entry in ClinVar:

NM_001378030.1(CCDC78):c.199G>A (p.Asp67Asn)

Gene: CCDC78 (coiled-coil domain containing 78; minus strand). Cytogenetic location: 16p13.3.
Variant type: single nucleotide variant.
Coding change: c.199G>A on transcript NM_001378030.1 (MANE Select); coding-DNA position 199, G replaced by A.
Protein change: p.Asp67Asn; replaces aspartic acid 67 with asparagine.
Molecular consequence: missense variant. On other transcripts: 5 prime UTR variant (1), non-coding transcript variant (5).
Genome position (GRCh38, 1-based): chr16:725,862, C>T on the plus strand (G>A on the coding strand, the complement: CCDC78 is on the minus strand). VCF-style: chr16-725862-C-T. GRCh37 (hg19) VCF-style: chr16-775862-C-T.
Other names: c.199G>A, p.Asp67Asn (NM_001031737.3, NM_001378031.1); c.-87G>A (NM_001378033.1); short protein forms D67N.
Identifiers: ClinVar variation 662007 (VCV000662007.8), dbSNP rs374105211, ClinGen allele CA7789706.

ClinVar aggregate classification (germline): Uncertain significance (1 of 4 stars; one submission).

Conditions:
Congenital myopathy with internal nuclei and atypical cores. Also called: Myopathy, centronuclear, 4. Identifiers: Orphanet 319160, MedGen C4707232, MONDO:0013890, OMIM 614807.

Allele frequency attached by ClinVar (database versions not stated): ExAC 0.00001; gnomAD exomes 0.00001; ESP Exome Variant Server 0.00008.
gnomAD v4.1: 10 of 1,610,860 alleles (0.00062%); highest among the groups gnomAD compares: Non-Finnish European, 0.00085%; no homozygotes.

Submission:

Labcorp Genetics (formerly Invitae), Labcorp
Classification: Uncertain significance for Congenital myopathy with internal nuclei and atypical cores. Last evaluated: 2022-09-26. Review status: criteria provided, single submitter. Criteria: Invitae Variant Classification Sherloc (09022015). Collection method: clinical testing. Allele origin: germline.
Comment: The frequency data for this variant in the population databases is considered unreliable, as metrics indicate poor data quality at this position in the gnomAD database. This variant has not been reported in the literature in individuals affected with CCDC78-related conditions. ClinVar contains an entry for this variant (Variation ID: 662007). Advanced modeling of protein sequence and biophysical properties (such as structural, functional, and spatial information, amino acid conservation, physicochemical variation, residue mobility, and thermodynamic stability) performed at Invitae indicates that this missense variant is not expected to disrupt CCDC78 protein function. In summary, the available evidence is currently insufficient to determine the role of this variant in disease. Therefore, it has been classified as a Variant of Uncertain Significance. This sequence change replaces aspartic acid, which is acidic and polar, with asparagine, which is neutral and polar, at codon 67 of the CCDC78 protein (p.Asp67Asn).